The following is an entry in ClinVar:

NM_021803.4(IL21):c.472G>A (p.Gly158Arg)

Gene: IL21 (interleukin 21; minus strand). Cytogenetic location: 4q27.
Variant type: single nucleotide variant.
Coding change: c.472G>A on transcript NM_021803.4 (MANE Select); coding-DNA position 472, G replaced by A.
Protein change: p.Gly158Arg; replaces glycine 158 with arginine.
Molecular consequence: missense variant. On other transcripts: 3 prime UTR variant (1).
Genome position (GRCh38, 1-based): chr4:122,612,727, C>T on the plus strand (G>A on the coding strand, the complement: IL21 is on the minus strand). VCF-style: chr4-122612727-C-T. GRCh37 (hg19) VCF-style: chr4-123533882-C-T.
Other names: c.*100G>A (NM_001207006.3); short protein forms G158R.
Identifiers: ClinVar variation 1445607 (VCV001445607.8), dbSNP rs779942410, ClinGen allele CA3069087.

ClinVar aggregate classification (germline): Uncertain significance (1 of 4 stars; one submission).

Allele frequency attached by ClinVar (database versions not stated): gnomAD 0.00001; gnomAD exomes 0.00001 and 0.00003; ExAC 0.00002.
gnomAD v4.1: 23 of 1,611,786 alleles (0.0014%); highest among the groups gnomAD compares: South Asian, 0.012%; no homozygotes.

Submission:

Labcorp Genetics (formerly Invitae), Labcorp
Classification: Uncertain significance. Last evaluated: 2025-05-12. Review status: criteria provided, single submitter. Criteria: Invitae Variant Classification Sherloc (09022015). Collection method: clinical testing. Allele origin: germline.
Comment: This sequence change replaces glycine, which is neutral and non-polar, with arginine, which is basic and polar, at codon 158 of the IL21 protein (p.Gly158Arg). This variant is present in population databases (rs779942410, gnomAD 0.02%). This variant has not been reported in the literature in individuals affected with IL21-related conditions. ClinVar contains an entry for this variant (Variation ID: 1445607). An algorithm developed to predict the effect of missense changes on protein structure and function outputs the following: PolyPhen-2: "Possibly Damaging". The arginine amino acid residue is found in multiple mammalian species, which suggests that this missense change does not adversely affect protein function. In summary, the available evidence is currently insufficient to determine the role of this variant in disease. Therefore, it has been classified as a Variant of Uncertain Significance.